The following is an entry in ClinVar:

NM_004958.4(MTOR):c.2675G>A (p.Gly892Glu)

Gene: MTOR (mechanistic target of rapamycin kinase; minus strand). Cytogenetic location: 1p36.22.
Variant type: single nucleotide variant.
Coding change: c.2675G>A on transcript NM_004958.4 (MANE Select); coding-DNA position 2675, G replaced by A.
Protein change: p.Gly892Glu; replaces glycine 892 with glutamic acid.
Molecular consequence: missense variant.
Genome position (GRCh38, 1-based): chr1:11,231,029, C>T on the plus strand (G>A on the coding strand, the complement: MTOR is on the minus strand). VCF-style: chr1-11231029-C-T. GRCh37 (hg19) VCF-style: chr1-11291086-C-T.
Other names: c.2675G>A, p.Gly892Glu (NM_001386500.1); c.1427G>A, p.Gly476Glu (NM_001386501.1); short protein forms G476E, G892E.
Identifiers: ClinVar variation 2013996 (VCV002013996.4), dbSNP rs2100866305, ClinGen allele CA338381296.
Genomic context (GRCh38, chr1:11,231,029, plus strand): 5'-GCATCCCGGGACTGGTCTATCATGCCAATGTTCACTTTGTGCTTGTAAGGATCCAAAGCC[C>T]CTAAAAGCCCTAACACACGGATGGCCTGCGTGGGAAAGGGGAGGGAAAAAAGAAAACATT-3'
Protein context (NP_004949.1, residues 882-902): REAIRVLGLL[Gly892Glu]ALDPYKHKVN

ClinVar aggregate classification (germline): Uncertain significance (1 of 4 stars; one submission).

Submission:

Labcorp Genetics (formerly Invitae), Labcorp
Classification: Uncertain significance. Last evaluated: 2022-07-04. Review status: criteria provided, single submitter. Criteria: Invitae Variant Classification Sherloc (09022015). Collection method: clinical testing. Allele origin: germline.
Comment: This variant has not been reported in the literature in individuals affected with MTOR-related conditions. In summary, the available evidence is currently insufficient to determine the role of this variant in disease. Therefore, it has been classified as a Variant of Uncertain Significance. Advanced modeling of protein sequence and biophysical properties (such as structural, functional, and spatial information, amino acid conservation, physicochemical variation, residue mobility, and thermodynamic stability) performed at Invitae indicates that this missense variant is expected to disrupt MTOR protein function. This variant is not present in population databases (gnomAD no frequency). This sequence change replaces glycine, which is neutral and non-polar, with glutamic acid, which is acidic and polar, at codon 892 of the MTOR protein (p.Gly892Glu).